The following is an entry in ClinVar:

ClinVar aggregate classification (germline): Uncertain significance (1 of 4 stars; one submission).

Submission:

GeneDx
Classification: Uncertain significance. Last evaluated: 2022-09-07. Review status: criteria provided, single submitter. Criteria: GeneDx Variant Classification Process June 2021. Collection method: clinical testing. Allele origin: germline. Affected: yes.
Comment: Not observed at significant frequency in large population cohorts (gnomAD); In silico analysis supports that this missense variant has a deleterious effect on protein structure/function; Has not been previously published as pathogenic or benign to our knowledge

NM_001148.6(ANK2):c.1408A>G (p.Met470Val)

Gene: ANK2 (ankyrin 2; plus strand). Cytogenetic location: 4q26.
Variant type: single nucleotide variant.
Coding change: c.1408A>G on transcript NM_001148.6 (MANE Select); coding-DNA position 1408, A replaced by G.
Protein change: p.Met470Val; replaces methionine 470 with valine.
Molecular consequence: missense variant.
Genome position (GRCh38, 1-based): chr4:113,264,918, A>G. VCF-style: chr4-113264918-A-G. GRCh37 (hg19) VCF-style: chr4-114186074-A-G.
Other names: c.1345A>G, p.Met449Val (NM_001127493.3, NM_001354239.2, NM_001354243.2 and 14 more transcripts); c.1408A>G, p.Met470Val (NM_001354225.2, NM_001354228.2, NM_001354232.2 and 8 more transcripts); c.1453A>G, p.Met485Val (NM_001354230.2, NM_001354231.2, NM_001354237.2 and 5 more transcripts); c.1321A>G, p.Met441Val (NM_001354249.2, NM_001354260.2, NM_001354264.2 and 13 more transcripts); c.1366A>G, p.Met456Val (NM_001354261.2, NM_001386147.1, NM_001386160.1); c.1198A>G, p.Met400Val (NM_001354269.3); c.1210A>G, p.Met404Val (NM_001354273.2); c.1123A>G, p.Met375Val (NM_001354277.2, NM_001386157.1, NM_001386158.1); and 4 more; short protein forms M449V, M470V, M375V, M404V, M456V, M485V, M400V, M441V.
Identifiers: ClinVar variation 423373 (VCV000423373.4), dbSNP rs1064796386, ClinGen allele CA16618026.